The following is an entry in ClinVar:

ClinVar aggregate classification (germline): Likely benign. Review status: criteria provided, multiple submitters, no conflicts (2 of 4 stars). 3 submissions from 3 submitters: Likely benign (3). Last evaluated 2025-12-04.

Allele frequency attached by ClinVar (database versions not stated): gnomAD 0.00006 and 0.00007; gnomAD exomes 0.00006 and 0.00008; TOPMed 0.00010; 1000 Genomes Project 30x 0.00016; 1000 Genomes Project 0.00020.
gnomAD v4.1: 100 of 1,558,056 alleles (0.0064%); highest among the groups gnomAD compares: East Asian, 0.026%; no homozygotes.

Submissions (3):

Labcorp Genetics (formerly Invitae), Labcorp
Classification: Likely benign. Last evaluated: 2025-12-04. Review status: criteria provided, single submitter. Criteria: Invitae Variant Classification Sherloc (09022015). Collection method: clinical testing. Allele origin: germline.

CeGaT Center for Human Genetics Tuebingen
Classification: Likely benign. Last evaluated: 2025-09-01. Review status: criteria provided, single submitter. Criteria: CeGaT Center For Human Genetics Tuebingen Variant Classification Criteria Version 2. Collection method: clinical testing. Allele origin: germline. Affected: yes. Observed: 1 variant allele.
Comment: MYO18B: BP4, BP7

Blueprint Genetics
Classification: Likely benign. Last evaluated: 2024-06-27. Review status: criteria provided, single submitter. Criteria: ACMG Guidelines, 2015. Collection method: clinical testing. Allele origin: germline.

NM_032608.7(MYO18B):c.3864C>T (p.Ser1288=)

Gene: MYO18B (myosin XVIIIB; plus strand). Cytogenetic location: 22q12.1.
Variant type: single nucleotide variant.
Coding change: c.3864C>T on transcript NM_032608.7 (MANE Select); coding-DNA position 3864, C replaced by T.
Protein change: p.Ser1288=; no amino-acid change (serine 1288 retained).
Molecular consequence: synonymous variant.
Genome position (GRCh38, 1-based): chr22:25,851,558, C>T. VCF-style: chr22-25851558-C-T. GRCh37 (hg19) VCF-style: chr22-26247525-C-T.
Other names: c.3867C>T, p.Ser1289= (NM_001318245.2).
Identifiers: ClinVar variation 1529538 (VCV001529538.16), dbSNP rs143229909, ClinGen allele CA10160665.
Genomic context (GRCh38, chr22:25,851,558, plus strand): 5'-CTTCCGCCGGCAATTCCAGGTGCTGGACGCTCCACTCCTGAAGAAGCTCATGTCGACCTC[C>T]GAGGGAATAGATGAAAGGAAGGTAGGTGGAGCACATGCGAGAGGGGTGAAGGCCCTAGAT-3'
Protein context (NP_115997.5, residues 1278-1298): APLLKKLMST[Ser1288=]EGIDERKAVE